The following is an entry in ClinVar:

NM_000083.3(CLCN1):c.2403+1G>A

Gene: CLCN1 (chloride voltage-gated channel 1; plus strand). Cytogenetic location: 7q34.
Variant type: single nucleotide variant.
Coding change: c.2403+1G>A on transcript NM_000083.3 (MANE Select); the canonical splice donor site of the intron after coding-DNA position 2403, G replaced by A.
Molecular consequence: splice donor variant.
Genome position (GRCh38, 1-based): chr7:143,346,950, G>A. VCF-style: chr7-143346950-G-A. GRCh37 (hg19) VCF-style: chr7-143044043-G-A.
Identifiers: ClinVar variation 2925432 (VCV002925432.3), dbSNP rs761916322, ClinGen allele CA4537668.

ClinVar aggregate classification (germline): Likely pathogenic (1 of 4 stars; one submission).

Conditions:
Congenital myotonia, autosomal dominant form (THD). Also called: THOMSEN DISEASE; Myotonia congenita autosomal dominant. Identifiers: Orphanet 614, MedGen C2936781, MONDO:0008055, OMIM 160800.
Congenital myotonia, autosomal recessive form. Also called: BECKER DISEASE; Becker Generalized Myotonia; myotonia congenita, autosomal recessive. Identifiers: Orphanet 614, MedGen C0751360, MONDO:0009715, OMIM 255700.

Allele frequency attached by ClinVar (database versions not stated): gnomAD exomes below 0.00001; TOPMed below 0.00001; ExAC 0.00001.
gnomAD v4.1: 2 of 1,613,000 alleles (0.00012%); highest among the groups gnomAD compares: East Asian, 0.0022%; no homozygotes.

Submission:

Labcorp Genetics (formerly Invitae), Labcorp
Classification: Likely pathogenic for Congenital myotonia, autosomal recessive form; Congenital myotonia, autosomal dominant form. Last evaluated: 2023-11-15. Review status: criteria provided, single submitter. Criteria: Invitae Variant Classification Sherloc (09022015). Collection method: clinical testing. Allele origin: germline.
Comment: This sequence change affects a donor splice site in intron 20 of the CLCN1 gene. It is expected to disrupt RNA splicing. Variants that disrupt the donor or acceptor splice site typically lead to a loss of protein function (PMID: 16199547), and loss-of-function variants in CLCN1 are known to be pathogenic (PMID: 17932099, 22094069, 23739125). This variant is not present in population databases (gnomAD no frequency). Disruption of this splice site has been observed in individual(s) with myotonia congenita (PMID: 22521272). Algorithms developed to predict the effect of sequence changes on RNA splicing suggest that this variant may disrupt the consensus splice site. In summary, the currently available evidence indicates that the variant is pathogenic, but additional data are needed to prove that conclusively. Therefore, this variant has been classified as Likely Pathogenic.

Literature cited by the submitters: PubMed 16199547; PubMed 17932099; PubMed 22094069; PubMed 23739125; PubMed 22521272.